The following is an entry in ClinVar:

ClinVar aggregate classification (germline): Likely benign. Review status: criteria provided, multiple submitters, no conflicts (2 of 4 stars). 3 submissions from 3 submitters: Likely benign (2). 1 of the submissions does not count toward it. Last evaluated 2025-07-02.

Conditions:
Fanconi anemia complementation group E (FANCE). Also called: FANCE-Related Fanconi Anemia. Identifiers: Orphanet 84, MedGen C3160739, MONDO:0010953, OMIM 600901.
FANCE-related disorder. Also called: FANCE-related condition.

Allele frequency attached by ClinVar (database versions not stated): gnomAD exomes 0.00006; ExAC 0.00007; TOPMed 0.00007; ESP Exome Variant Server 0.00008.

Submissions (3):

Labcorp Genetics (formerly Invitae), Labcorp
Classification: Likely benign for Fanconi anemia complementation group E. Last evaluated: 2025-07-02. Review status: criteria provided, single submitter. Criteria: Invitae Variant Classification Sherloc (09022015). Collection method: clinical testing. Allele origin: germline.

Blueprint Genetics
Classification: Likely benign. Last evaluated: 2022-12-30. Review status: criteria provided, single submitter. Criteria: ACMG Guidelines, 2015. Collection method: clinical testing. Allele origin: germline.

PreventionGenetics, part of Exact Sciences
Classification: Likely benign for FANCE-related condition. Last evaluated: 2019-05-08. Review status: no assertion criteria provided. Collection method: clinical testing. Allele origin: germline. Not counted in ClinVar's aggregate classification.
Comment: This variant is classified as likely benign based on ACMG/AMP sequence variant interpretation guidelines (Richards et al. 2015 PMID: 25741868, with internal and published modifications).

NM_021922.3(FANCE):c.1608C>G (p.Pro536=)

Gene: FANCE (FA complementation group E; plus strand). Cytogenetic location: 6p21.31.
Variant type: single nucleotide variant.
Coding change: c.1608C>G on transcript NM_021922.3 (MANE Select); coding-DNA position 1608, C replaced by G.
Protein change: p.Pro536=; no amino-acid change (proline 536 retained).
Molecular consequence: synonymous variant.
Genome position (GRCh38, 1-based): chr6:35,466,342, C>G. VCF-style: chr6-35466342-C-G. GRCh37 (hg19) VCF-style: chr6-35434119-C-G.
Other names: c.1608C>G (NM_021922.2).
Identifiers: ClinVar variation 1529913 (VCV001529913.11), dbSNP rs370301848, ClinGen allele CA3771763.